The following is an entry in ClinVar:

ClinVar aggregate classification (germline): Uncertain significance (1 of 4 stars; one submission).

Conditions:
Familial cancer of breast. Also called: hereditary breast carcinoma; Hereditary breast cancer; BREAST CANCER, FAMILIAL. Identifiers: Orphanet 227535, MedGen C0346153, MONDO:0016419, OMIM 114480. Disease mechanism: loss of function.

Submission:

Labcorp Genetics (formerly Invitae), Labcorp
Classification: Uncertain significance for Familial cancer of breast. Last evaluated: 2020-12-01. Review status: criteria provided, single submitter. Criteria: Invitae Variant Classification Sherloc (09022015). Collection method: clinical testing. Allele origin: germline.
Comment: In summary, the available evidence is currently insufficient to determine the role of this variant in disease. Therefore, it has been classified as a Variant of Uncertain Significance. Algorithms developed to predict the effect of missense changes on protein structure and function (SIFT, PolyPhen-2, Align-GVGD) all suggest that this variant is likely to be tolerated, but these predictions have not been confirmed by published functional studies and their clinical significance is uncertain. This variant has not been reported in the literature in individuals with BARD1-related conditions. This variant is not present in population databases (ExAC no frequency). This sequence change replaces serine with arginine at codon 401 of the BARD1 protein (p.Ser401Arg). The serine residue is moderately conserved and there is a moderate physicochemical difference between serine and arginine.

NM_000465.4(BARD1):c.1203T>G (p.Ser401Arg)

Gene: BARD1 (BRCA1 associated RING domain 1; minus strand). Cytogenetic location: 2q35.
Variant type: single nucleotide variant.
Coding change: c.1203T>G on transcript NM_000465.4 (MANE Select); coding-DNA position 1203, T replaced by G.
Protein change: p.Ser401Arg; replaces serine 401 with arginine.
Molecular consequence: missense variant. On other transcripts: non-coding transcript variant (2), intron variant (3).
Genome position (GRCh38, 1-based): chr2:214,780,671, A>C on the plus strand (T>G on the coding strand, the complement: BARD1 is on the minus strand). VCF-style: chr2-214780671-A-C. GRCh37 (hg19) VCF-style: chr2-215645395-A-C.
Other names: c.1146T>G, p.Ser382Arg (NM_001282543.2); c.159-28116T>G (NM_001282548.2); c.215+16390T>G (NM_001282545.2); c.364+11626T>G (NM_001282549.2); short protein forms S382R, S401R.
Identifiers: ClinVar variation 1483326 (VCV001483326.9), dbSNP rs370553043, ClinGen allele CA350453743.
Genomic context (GRCh38, chr2:214,780,671, plus strand): 5'-AGCCATATTGGGCAACAGCTTCATTGCTGAGGGACTAGACATCACTCGCCTGTAACTTGA[A>C]CTACTTAATGTAGAAGGTGGTGTACCTGGTGAAAGACTAATGAATTCATCGGACATGTTA-3'
Protein context (NP_000456.2, residues 391-411): SPGTPPSTLS[Ser401Arg]SSYRRVMSSP